The following is an entry in ClinVar:

NM_000256.3(MYBPC3):c.837T>G (p.Gly279=)

Gene: MYBPC3 (myosin binding protein C3; minus strand). Cytogenetic location: 11p11.2.
Variant type: single nucleotide variant.
Coding change: c.837T>G on transcript NM_000256.3 (MANE Select); coding-DNA position 837, T replaced by G.
Protein change: p.Gly279=; no amino-acid change (glycine 279 retained).
Molecular consequence: synonymous variant.
Genome position (GRCh38, 1-based): chr11:47,347,665, A>C on the plus strand (T>G on the coding strand, the complement: MYBPC3 is on the minus strand). VCF-style: chr11-47347665-A-C. GRCh37 (hg19) VCF-style: chr11-47369216-A-C.
Identifiers: ClinVar variation 4757382 (VCV004757382.1).
Genomic context (GRCh38, chr11:47,347,665, plus strand): 5'-CCTGGGGGTCTGCGGATGGTGCAGGTAGGGCCTGGGGCAGGGGTACCTGATCCGCCGACC[A>C]CCTCCAGCCAGGCTCCTGTGGGGGTTAGACTCAGTATCCTCACCTGCCTGGGAAGCTTGC-3'
Protein context (NP_000247.2, residues 269-289): SAFRRTSLAG[Gly279=]GRRISDSHED

ClinVar aggregate classification (germline): Uncertain significance (1 of 4 stars; one submission).

Conditions:
Cardiomyopathy (CMYO). Also called: Cardiomyopathies. Identifiers: Orphanet 167848, MedGen C0878544, MONDO:0004994, HP:0001638. Inheritance: Various modes of inheritance.

Submission:

Color Diagnostics, LLC DBA Color Health
Classification: Uncertain significance for Cardiomyopathy. Last evaluated: 2025-07-07. Review status: criteria provided, single submitter. Criteria: ACMG Guidelines, 2015. Collection method: clinical testing. Allele origin: germline.
Comment: This variant is located in the MYBPC3 protein. To our knowledge, functional studies have not been reported for this variant. This variant has not been reported in individuals affected with MYBPC3-related disorders in the literature. This variant has not been identified in the general population by the Genome Aggregation Database (gnomAD). The available evidence is insufficient to determine the role of this variant in disease conclusively. Therefore, this variant is classified as a Variant of Uncertain Significance.